The following is an entry in ClinVar:

NM_198291.3(SRC):c.1250_1253del (p.Asn417fs)

Gene: SRC (SRC proto-oncogene, non-receptor tyrosine kinase; plus strand). Cytogenetic location: 20q11.23.
Variant type: Deletion.
Coding change: c.1250_1253del on transcript NM_198291.3 (MANE Select); coding-DNA positions 1250 to 1253, 4 bases deleted (ATGA; older notation c.1250_1253delATGA).
Protein change: p.Asn417fs; shifts the reading frame from asparagine 417.
Molecular consequence: frameshift variant.
Genome position (GRCh38, 1-based): chr20:37,402,568-37,402,571, ATGA deleted; deleting any 4 consecutive bases within chr20:37,402,567-37,402,571 gives the same sequence; the c. name uses the placement nearest the transcript's 3' end. VCF-style (leftmost placement, unchanged base first): chr20-37402566-CAATG-C. GRCh37 (hg19) VCF-style: chr20-36030969-CAATG-C.
Other names: c.1250_1253del, p.Asn417fs (NM_005417.5); short protein forms N417fs.
Identifiers: ClinVar variation 3252560 (VCV003252560.1), dbSNP rs2516481843.
Genomic context (GRCh38, chr20:37,402,566, plus strand): 5'-GGTGGGAGAGAACCTGGTGTGCAAAGTGGCGGACTTTGGGCTGGCTCGGCTCATTGAAGA[CAATG>C]AGTACACGGCGCGGCAAGGTGGGCAGGGGCTGTGTGGTATGTCGCGCTTGGCCTGGGACA-3'

ClinVar aggregate classification (germline): Uncertain significance (1 of 4 stars; one submission).

Submission:

GeneDx
Classification: Uncertain significance. Last evaluated: 2023-12-08. Review status: criteria provided, single submitter. Criteria: GeneDx Variant Classification Process June 2021. Collection method: clinical testing. Allele origin: germline. Affected: yes.
Comment: Frameshift variant predicted to result in abnormal protein length as the last 120 amino acids are replaced with 37 different amino acids in a gene for which loss-of-function is not a known mechanism of disease; Not observed at significant frequency in large population cohorts (gnomAD); Has not been previously published as pathogenic or benign to our knowledge